The following is an entry in ClinVar:

NM_001378418.1(TCF20):c.5329C>T (p.Gln1777Ter)

Gene: TCF20 (transcription factor 20; minus strand). Cytogenetic location: 22q13.2.
Variant type: single nucleotide variant.
Coding change: c.5329C>T on transcript NM_001378418.1 (MANE Select); coding-DNA position 5329, C replaced by T.
Protein change: p.Gln1777Ter; replaces glutamine 1777 with a stop codon.
Molecular consequence: nonsense.
Genome position (GRCh38, 1-based): chr22:42,209,977, G>A on the plus strand (C>T on the coding strand, the complement: TCF20 is on the minus strand). VCF-style: chr22-42209977-G-A. GRCh37 (hg19) VCF-style: chr22-42605983-G-A.
Other names: c.5329C>T, p.Gln1777Ter (NM_005650.4, NM_181492.3); short protein forms Q1777*.
Identifiers: ClinVar variation 4888173 (VCV004888173.1).

ClinVar aggregate classification (germline): Pathogenic (1 of 4 stars; one submission).

Submission:

GeneDx
Classification: Pathogenic. Last evaluated: 2026-02-14. Review status: criteria provided, single submitter. Criteria: GeneDx Variant Classification Process June 2021. Collection method: clinical testing. Allele origin: germline.
Comment: Nonsense variant predicted to result in protein truncation or nonsense mediated decay in a gene for which loss of function is a known mechanism of disease; Not observed at significant frequency in large population cohorts (gnomAD); Has not been previously published as pathogenic or benign to our knowledge